The following is an entry in ClinVar:

NM_003244.4(TGIF1):c.581T>G (p.Val194Gly)

Gene: TGIF1 (TGFB induced factor homeobox 1; plus strand). Cytogenetic location: 18p11.31.
Variant type: single nucleotide variant.
Coding change: c.581T>G on transcript NM_003244.4 (MANE Select); coding-DNA position 581, T replaced by G.
Protein change: p.Val194Gly; replaces valine 194 with glycine.
Molecular consequence: missense variant.
Genome position (GRCh38, 1-based): chr18:3,457,702, T>G. VCF-style: chr18-3457702-T-G. GRCh37 (hg19) VCF-style: chr18-3457700-T-G.
Other names: 968T>G; c.590T>G, p.Val197Gly (NM_001278682.2); c.581T>G, p.Val194Gly (NM_001278684.2, NM_173208.3); c.521T>G, p.Val174Gly (NM_001278686.3, NM_001374396.1, NM_001374397.1 and 5 more transcripts); c.623T>G, p.Val208Gly (NM_173207.4); short protein forms V174G, V194G, V197G, V208G.
Identifiers: ClinVar variation 65507 (VCV000065507.3), dbSNP rs397515503, ClinGen allele CA344817.

ClinVar aggregate classification (germline): Benign (0 of 4 stars; one submission).

Conditions:
Holoprosencephaly 4 (HPE4). Identifiers: Orphanet 2162, MedGen C1840528, MONDO:0007734, OMIM 142946.

Submission:

GeneReviews
Classification: Benign for Holoprosencephaly. Last evaluated: 2013-08-29. Review status: no assertion criteria provided. Collection method: curation. Allele origin: unknown.
ClinVar note: Converted during submission from non-pathogenic to Benign.